The following is an entry in ClinVar:

ClinVar aggregate classification (germline): Uncertain significance (1 of 4 stars; one submission).

Conditions:
Cardiovascular phenotype. Identifiers: MedGen CN230736.

Submission:

Ambry Genetics
Classification: Uncertain significance for Cardiovascular phenotype. Last evaluated: 2025-01-04. Review status: criteria provided, single submitter. Criteria: Ambry Variant Classification Scheme 2023. Collection method: clinical testing. Allele origin: germline.
Comment: The c.10404A>G variant (also known as p.S3468S), located in coding exon 16 of the ALMS1 gene, results from an A to G substitution at nucleotide position 10404. This nucleotide substitution does not change the amino acid at codon 3468. This nucleotide position is not well conserved in available vertebrate species. In silico splice site analysis for this alteration is inconclusive. Based on the available evidence, the clinical significance of this variant remains unclear.

NM_001378454.1(ALMS1):c.10401A>G (p.Ser3467=)

Gene: ALMS1 (ALMS1 centrosome and basal body associated protein; plus strand). Cytogenetic location: 2p13.1.
Variant type: single nucleotide variant.
Coding change: c.10401A>G on transcript NM_001378454.1 (MANE Select); coding-DNA position 10401, A replaced by G.
Protein change: p.Ser3467=; no amino-acid change (serine 3467 retained).
Molecular consequence: synonymous variant.
Genome position (GRCh38, 1-based): chr2:73,572,278, A>G. VCF-style: chr2-73572278-A-G. GRCh37 (hg19) VCF-style: chr2-73799405-A-G.
Other names: c.10404A>G, p.Ser3468= (NM_015120.4).
Identifiers: ClinVar variation 3857402 (VCV003857402.1).